The following is an entry in ClinVar:

NM_206933.4(USH2A):c.11829_11851del (p.Arg3943fs)

Gene: USH2A (usherin; minus strand). Cytogenetic location: 1q41.
Variant type: Deletion.
Coding change: c.11829_11851del on transcript NM_206933.4 (MANE Select); coding-DNA positions 11829 to 11851, 23 bases deleted (AGCCTGTAACTCCAAGGGTTCAG).
Protein change: p.Arg3943fs; shifts the reading frame from arginine 3943.
Molecular consequence: frameshift variant.
Genome position (GRCh38, 1-based): chr1:215,728,245-215,728,267, CTGAACCCTTGGAGTTACAGGCT deleted on the plus strand (AGCCTGTAACTCCAAGGGTTCAG on the coding strand, the reverse complement: USH2A is on the minus strand); deleting any 23 consecutive bases within chr1:215,728,245-215,728,271 gives the same sequence; the c. name uses the placement nearest the transcript's 3' end. VCF-style (leftmost placement, unchanged base first): chr1-215728244-ACTGAACCCTTGGAGTTACAGGCT-A. GRCh37 (hg19) VCF-style: chr1-215901586-ACTGAACCCTTGGAGTTACAGGCT-A.
Other names: short protein forms R3943fs.
Identifiers: ClinVar variation 1405468 (VCV001405468.6), dbSNP rs2102713621, ClinGen allele CA2573131554.

ClinVar aggregate classification (germline): Pathogenic (1 of 4 stars; one submission).

Submission:

Labcorp Genetics (formerly Invitae), Labcorp
Classification: Pathogenic. Last evaluated: 2021-04-10. Review status: criteria provided, single submitter. Criteria: Invitae Variant Classification Sherloc (09022015). Collection method: clinical testing. Allele origin: germline.
Comment: For these reasons, this variant has been classified as Pathogenic. This variant has not been reported in the literature in individuals with USH2A-related conditions. This variant is not present in population databases (ExAC no frequency). This sequence change creates a premature translational stop signal (p.Arg3943Serfs*62) in the USH2A gene. It is expected to result in an absent or disrupted protein product. Loss-of-function variants in USH2A are known to be pathogenic (PMID: 10729113, 10909849, 20507924, 25649381).

Literature cited by the submitters: PubMed 10729113; PubMed 10909849; PubMed 20507924; PubMed 25649381.